The following is an entry in ClinVar:

ClinVar aggregate classification (germline): Likely pathogenic (1 of 4 stars; one submission).

Conditions:
Spermatogenic failure 73 (SPGF73). Identifiers: MedGen C5676988, MONDO:0030818, OMIM 619878.

gnomAD v4.1: 1 of 1,613,970 alleles (0.000062%); highest among the groups gnomAD compares: Admixed American, 0.0017%; no homozygotes.

Submission:

First Genomix Gene Laboratory, Genetic Diagnostics Department
Classification: Likely pathogenic for Spermatogenic failure 73. Last evaluated: 2025-09-09. Review status: criteria provided, single submitter. Criteria: ACMG Guidelines, 2015. Collection method: clinical testing. Allele origin: germline. Inheritance: Autosomal recessive inheritance. Affected: no. Observed: 1 variant allele.

NM_018995.3(MOV10L1):c.1570-1G>C

Gene: MOV10L1 (Mov10 like RNA helicase 1; plus strand). Cytogenetic location: 22q13.33.
Variant type: single nucleotide variant.
Coding change: c.1570-1G>C on transcript NM_018995.3 (MANE Select); the canonical splice acceptor site of the intron before coding-DNA position 1570, G replaced by C.
Molecular consequence: splice acceptor variant.
Genome position (GRCh38, 1-based): chr22:50,125,391, G>C. VCF-style: chr22-50125391-G-C. GRCh37 (hg19) VCF-style: chr22-50563820-G-C.
Other names: c.1510-1G>C (NM_001164105.2); c.1570-1G>C (NM_001164104.2).
Identifiers: ClinVar variation 4850299 (VCV004850299.1).